The following is an entry in ClinVar:

NM_001276270.2(MBD4):c.310G>A (p.Gly104Arg)

Gene: MBD4 (methyl-CpG binding domain 4, DNA glycosylase; minus strand). Cytogenetic location: 3q21.3.
Variant type: single nucleotide variant.
Coding change: c.310G>A on transcript NM_001276270.2 (MANE Select); coding-DNA position 310, G replaced by A.
Protein change: p.Gly104Arg; replaces glycine 104 with arginine.
Molecular consequence: missense variant. On other transcripts: intron variant (1).
Genome position (GRCh38, 1-based): chr3:129,437,745, C>T on the plus strand (G>A on the coding strand, the complement: MBD4 is on the minus strand). VCF-style: chr3-129437745-C-T. GRCh37 (hg19) VCF-style: chr3-129156588-C-T.
Other names: c.310G>A, p.Gly104Arg (NM_001276271.2, NM_001276272.2, NM_003925.3); c.247+63G>A (NM_001276273.2); short protein forms G104R.
Identifiers: ClinVar variation 4052182 (VCV004052182.1).

ClinVar aggregate classification (germline): Uncertain significance (1 of 4 stars; one submission).

Conditions:
Inborn genetic diseases. Identifiers: MedGen C0950123, MeSH D030342.

Submission:

Ambry Genetics
Classification: Uncertain significance for Inborn genetic diseases. Last evaluated: 2025-03-31. Review status: criteria provided, single submitter. Criteria: Ambry Variant Classification Scheme 2023. Collection method: clinical testing. Allele origin: germline.
Comment: The p.G104R variant (also known as c.310G>A), located in coding exon 2 of the MBD4 gene, results from a G to A substitution at nucleotide position 310. The glycine at codon 104 is replaced by arginine, an amino acid with dissimilar properties. This amino acid position is conserved. In addition, this alteration is predicted to be deleterious by in silico analysis. Based on the available evidence, the clinical significance of this variant remains unclear.